The following is an entry in ClinVar:

ClinVar aggregate classification (germline): Conflicting classifications of pathogenicity. Review status: criteria provided, conflicting classifications (1 of 4 stars). 4 submissions from 4 submitters: Uncertain significance (1); Likely benign (3). Last evaluated 2025-08-07.

Conditions:
Epilepsy, X-linked 1, with variable learning disabilities and behavior disorders. Also called: X-linked epilepsy-learning disabilities-behavior disorders syndrome. Identifiers: Orphanet 85294, MedGen C5774177, MONDO:0010339, OMIM 300491.

Allele frequency attached by ClinVar (database versions not stated): gnomAD 0.00004; TOPMed 0.00004; gnomAD exomes 0.00005.
gnomAD v4.1: 55 of 1,209,067 alleles (0.0045%); highest among the groups gnomAD compares: Non-Finnish European, 0.0058%; no homozygotes.

Submissions (4):

Labcorp Genetics (formerly Invitae), Labcorp
Classification: Likely benign for Epilepsy, X-linked 1, with variable learning disabilities and behavior disorders. Last evaluated: 2025-08-07. Review status: criteria provided, single submitter. Criteria: Invitae Variant Classification Sherloc (09022015). Collection method: clinical testing. Allele origin: germline.

Blueprint Genetics
Classification: Likely benign. Last evaluated: 2024-06-26. Review status: criteria provided, single submitter. Criteria: ACMG Guidelines, 2015. Collection method: clinical testing. Allele origin: germline.

CeGaT Center for Human Genetics Tuebingen
Classification: Likely benign. Last evaluated: 2022-11-01. Review status: criteria provided, single submitter. Criteria: CeGaT Center For Human Genetics Tuebingen Variant Classification Criteria Version 2. Collection method: clinical testing. Allele origin: germline. Affected: yes. Observed: 1 variant allele.
Comment: SYN1: BS2

Centre for Mendelian Genomics, University Medical Centre Ljubljana
Classification: Uncertain significance for Epilepsy, X-linked 1, with variable learning disabilities and behavior disorders. Last evaluated: 2019-03-12. Review status: criteria provided, single submitter. Criteria: ACMG Guidelines, 2015. Collection method: clinical testing. Allele origin: unknown. Affected: yes.
Comment: This variant was classified as: Uncertain significance. The available evidence on this variant's pathogenicity is insufficient or conflicting. The following ACMG criteria were applied in classifying this variant: BP4.

NM_006950.3(SYN1):c.435+10G>A

Gene: SYN1 (synapsin I; minus strand). Cytogenetic location: Xp11.23.
Variant type: single nucleotide variant.
Coding change: c.435+10G>A on transcript NM_006950.3 (MANE Select); 10 bases into the intron after coding-DNA position 435, G replaced by A.
Molecular consequence: intron variant.
Genome position (GRCh38, 1-based): chrX:47,607,131, C>T on the plus strand (G>A on the coding strand, the complement: SYN1 is on the minus strand). VCF-style: chrX-47607131-C-T. GRCh37 (hg19) VCF-style: chrX-47466530-C-T.
Other names: c.435+10G>A (NM_133499.2).
Identifiers: ClinVar variation 930238 (VCV000930238.38), dbSNP rs771547188, ClinGen allele CA10398745.